The following is an entry in ClinVar:

ClinVar aggregate classification (germline): Uncertain significance. Review status: criteria provided, multiple submitters, no conflicts (2 of 4 stars). 3 submissions from 3 submitters: Uncertain significance (3). Last evaluated 2025-06-18.

Conditions:
Inborn genetic diseases. Identifiers: MedGen C0950123, MeSH D030342.
Focal segmental glomerulosclerosis 6 (FSGS6). Identifiers: Orphanet 656, MedGen C3279905, MONDO:0013589, OMIM 614131.

Submissions (3):

Ambry Genetics
Classification: Uncertain significance for Inborn genetic diseases. Last evaluated: 2025-06-18. Review status: criteria provided, single submitter. Criteria: Ambry Variant Classification Scheme 2023. Collection method: clinical testing. Allele origin: germline.

Labcorp Genetics (formerly Invitae), Labcorp
Classification: Uncertain significance. Last evaluated: 2025-06-12. Review status: criteria provided, single submitter. Criteria: Invitae Variant Classification Sherloc (09022015). Collection method: clinical testing. Allele origin: germline.
Comment: This sequence change replaces arginine, which is basic and polar, with histidine, which is basic and polar, at codon 929 of the MYO1E protein (p.Arg929His). This variant is not present in population databases (gnomAD no frequency). This variant has not been reported in the literature in individuals affected with MYO1E-related conditions. ClinVar contains an entry for this variant (Variation ID: 1503087). An algorithm developed to predict the effect of missense changes on protein structure and function (PolyPhen-2) suggests that this variant is likely to be disruptive. In summary, the available evidence is currently insufficient to determine the role of this variant in disease. Therefore, it has been classified as a Variant of Uncertain Significance.

Fulgent Genetics
Classification: Uncertain significance for Focal segmental glomerulosclerosis 6. Last evaluated: 2024-04-12. Review status: criteria provided, single submitter. Criteria: ACMG Guidelines, 2015. Collection method: clinical testing. Allele origin: germline.

NM_004998.4(MYO1E):c.2786G>A (p.Arg929His)

Gene: MYO1E (myosin IE; minus strand). Cytogenetic location: 15q22.2.
Variant type: single nucleotide variant.
Coding change: c.2786G>A on transcript NM_004998.4 (MANE Select); coding-DNA position 2786, G replaced by A.
Protein change: p.Arg929His; replaces arginine 929 with histidine.
Molecular consequence: missense variant.
Genome position (GRCh38, 1-based): chr15:59,158,379, C>T on the plus strand (G>A on the coding strand, the complement: MYO1E is on the minus strand). VCF-style: chr15-59158379-C-T. GRCh37 (hg19) VCF-style: chr15-59450578-C-T.
Other names: c.2786G>A (NM_004998.2); short protein forms R929H.
Identifiers: ClinVar variation 1503087 (VCV001503087.10), dbSNP rs2079520193, ClinGen allele CA392635168.